The following is an entry in ClinVar:

NM_198060.4(NRAP):c.168-8T>A

Gene: NRAP (nebulin related anchoring protein; minus strand). Cytogenetic location: 10q25.3.
Variant type: single nucleotide variant.
Coding change: c.168-8T>A on transcript NM_198060.4 (MANE Select); 8 bases into the intron before coding-DNA position 168, T replaced by A.
Molecular consequence: intron variant.
Genome position (GRCh38, 1-based): chr10:113,662,774, A>T on the plus strand (T>A on the coding strand, the complement: NRAP is on the minus strand). VCF-style: chr10-113662774-A-T. GRCh37 (hg19) VCF-style: chr10-115422533-A-T.
Other names: c.168-8T>A (NM_006175.5, NM_001322945.2, NM_001261463.2).
Identifiers: ClinVar variation 4855124 (VCV004855124.1).

ClinVar aggregate classification (germline): Uncertain significance (1 of 4 stars; one submission).

Conditions:
NRAP-related disorder. Also called: NRAP-related condition.

gnomAD v4.1: 1 of 1,414,568 alleles (0.000071%); highest among the groups gnomAD compares: South Asian, 0.0012%; no homozygotes.

Submission:

3billion
Classification: Uncertain significance for NRAP-related disorder. Last evaluated: 2026-01-21. Review status: criteria provided, single submitter. Criteria: ACMG Guidelines, 2015. Collection method: clinical testing. Allele origin: germline. Affected: yes.
Comment: The variant is observed at an extremely low frequency in the gnomAD v4.1.0 dataset (total allele frequency: <0.001%). Predicted Consequence/Location: Intron variant In silico tools predict the variant to alter splicing and produce an abnormal transcript [SpliceAI: 0.96 (>=0.2, moderate evidence for spliceogenicity)]. Therefore, this variant is classified as VUS according to the recommendation of ACMG/AMP guideline.